The following is an entry in ClinVar:

NM_014425.5(INVS):c.2447G>T (p.Gly816Val)

Gene: INVS (inversin; plus strand). Cytogenetic location: 9q31.1.
Variant type: single nucleotide variant.
Coding change: c.2447G>T on transcript NM_014425.5 (MANE Select); coding-DNA position 2447, G replaced by T.
Protein change: p.Gly816Val; replaces glycine 816 with valine.
Molecular consequence: missense variant. On other transcripts: non-coding transcript variant (1).
Genome position (GRCh38, 1-based): chr9:100,292,704, G>T. VCF-style: chr9-100292704-G-T. GRCh37 (hg19) VCF-style: chr9-103054986-G-T.
Other names: c.2159G>T, p.Gly720Val (NM_001318381.2); c.1469G>T, p.Gly490Val (NM_001318382.2); short protein forms G720V, G816V, G490V.
Identifiers: ClinVar variation 2041219 (VCV002041219.4), dbSNP rs761376698, ClinGen allele CA374243456.

ClinVar aggregate classification (germline): Uncertain significance. Review status: criteria provided, multiple submitters, no conflicts (2 of 4 stars). 2 submissions from 2 submitters: Uncertain significance (2). Last evaluated 2024-04-30.

Conditions:
Infantile nephronophthisis (NPHP2). Also called: Nephronophthisis 2, infantile; Nephronophthisis 2. Identifiers: Orphanet 655, Orphanet 93591, MedGen C1865872, MONDO:0011190, OMIM 602088.
Nephronophthisis. Also called: Juvenile Nephronophthisis. Identifiers: Orphanet 655, MedGen C0687120, MONDO:0019005, HP:0000090.

gnomAD v4.1: 19 of 1,614,072 alleles (0.0012%); highest among the groups gnomAD compares: Admixed American, 0.032%; no homozygotes.

Submissions (2):

Labcorp Genetics (formerly Invitae), Labcorp
Classification: Uncertain significance for Nephronophthisis. Last evaluated: 2024-04-30. Review status: criteria provided, single submitter. Criteria: Invitae Variant Classification Sherloc (09022015). Collection method: clinical testing. Allele origin: germline.
Comment: This sequence change replaces glycine, which is neutral and non-polar, with valine, which is neutral and non-polar, at codon 816 of the INVS protein (p.Gly816Val). This variant is present in population databases (no rsID available, gnomAD 0.02%). This variant has not been reported in the literature in individuals affected with INVS-related conditions. ClinVar contains an entry for this variant (Variation ID: 2041219). Algorithms developed to predict the effect of missense changes on protein structure and function output the following: SIFT: "Not Available"; PolyPhen-2: "Benign"; Align-GVGD: "Not Available". The valine amino acid residue is found in multiple mammalian species, which suggests that this missense change does not adversely affect protein function. In summary, the available evidence is currently insufficient to determine the role of this variant in disease. Therefore, it has been classified as a Variant of Uncertain Significance.

Fulgent Genetics
Classification: Uncertain significance for Infantile nephronophthisis. Last evaluated: 2024-03-20. Review status: criteria provided, single submitter. Criteria: ACMG Guidelines, 2015. Collection method: clinical testing. Allele origin: germline.